The following is an entry in ClinVar:

NM_014324.6(AMACR):c.976C>T (p.Arg326Cys)

Genes: AMACR (alpha-methylacyl-CoA racemase; minus strand), C1QTNF3-AMACR (C1QTNF3-AMACR readthrough (NMD candidate); minus strand). Cytogenetic location: 5p13.2.
Variant type: single nucleotide variant.
Coding change: c.976C>T on transcript NM_014324.6 (MANE Select); coding-DNA position 976, C replaced by T.
Protein change: p.Arg326Cys; replaces arginine 326 with cysteine.
Molecular consequence: missense variant. On other transcripts: non-coding transcript variant (1), 3 prime UTR variant (1).
Genome position (GRCh38, 1-based): chr5:33,989,266, G>A on the plus strand (C>T on the coding strand, the complement: AMACR is on the minus strand). VCF-style: chr5-33989266-G-A. GRCh37 (hg19) VCF-style: chr5-33989371-G-A.
Other names: c.976C>T (NM_014324.5); c.976C>T, p.Arg326Cys (NM_001167595.2); c.*218C>T (NM_203382.3); short protein forms R326C.
Identifiers: ClinVar variation 1511158 (VCV001511158.8), dbSNP rs371343345, ClinGen allele CA3225981.

ClinVar aggregate classification (germline): Uncertain significance. Review status: criteria provided, multiple submitters, no conflicts (2 of 4 stars). 3 submissions from 3 submitters: Uncertain significance (3). Last evaluated 2023-08-16.

Conditions:
Inborn genetic diseases. Identifiers: MedGen C0950123, MeSH D030342.
Alpha-methylacyl-CoA racemase deficiency (AMACRD). Also called: AMACR deficiency. Identifiers: Orphanet 79095, MedGen C3280428, MONDO:0013681, OMIM 614307. Disease mechanism: loss of function.

Allele frequency attached by ClinVar (database versions not stated): ExAC 0.00002; gnomAD exomes 0.00002; gnomAD 0.00009 and 0.00010; TOPMed 0.00009; ESP Exome Variant Server 0.00015.
gnomAD v4.1: 31 of 1,613,954 alleles (0.0019%); highest among the groups gnomAD compares: African/African-American, 0.028%; no homozygotes.

Submissions (3):

Labcorp Genetics (formerly Invitae), Labcorp
Classification: Uncertain significance for Alpha-methylacyl-CoA racemase deficiency. Last evaluated: 2023-08-16. Review status: criteria provided, single submitter. Criteria: Invitae Variant Classification Sherloc (09022015). Collection method: clinical testing. Allele origin: germline.
Comment: This sequence change replaces arginine, which is basic and polar, with cysteine, which is neutral and slightly polar, at codon 326 of the AMACR protein (p.Arg326Cys). This variant is present in population databases (rs371343345, gnomAD 0.03%). This variant has not been reported in the literature in individuals affected with AMACR-related conditions. ClinVar contains an entry for this variant (Variation ID: 1511158). Advanced modeling of protein sequence and biophysical properties (such as structural, functional, and spatial information, amino acid conservation, physicochemical variation, residue mobility, and thermodynamic stability) performed at Invitae indicates that this missense variant is not expected to disrupt AMACR protein function. In summary, the available evidence is currently insufficient to determine the role of this variant in disease. Therefore, it has been classified as a Variant of Uncertain Significance.

Blueprint Genetics
Classification: Uncertain significance. Last evaluated: 2022-06-08. Review status: criteria provided, single submitter. Criteria: ACMG Guidelines, 2015. Collection method: clinical testing. Allele origin: germline.

Ambry Genetics
Classification: Uncertain significance for Inborn genetic diseases. Last evaluated: 2021-07-06. Review status: criteria provided, single submitter. Criteria: Ambry Variant Classification Scheme 2023. Collection method: clinical testing. Allele origin: germline.